The following is an entry in ClinVar:

NM_006941.4(SOX10):c.931_932dup (p.Ser311fs)

Genes: POLR2F (RNA polymerase II, I and III subunit F; plus strand), SOX10 (SRY-box transcription factor 10; minus strand). Cytogenetic location: 22q13.1.
Variant type: Duplication.
Coding change: c.931_932dup on transcript NM_006941.4 (MANE Select); coding-DNA positions 931 to 932, 2 bases duplicated (AG; older notation c.931_932dupAG).
Protein change: p.Ser311fs; shifts the reading frame from serine 311.
Molecular consequence: frameshift variant. On other transcripts: intron variant (3).
Genome position (GRCh38, 1-based): chr22:37,973,964-37,973,965, CT duplicated on the plus strand (AG on the coding strand, the reverse complement: SOX10 is on the minus strand); duplicating any 2 consecutive bases within chr22:37,973,964-37,973,966 gives the same sequence; the c. name uses the placement nearest the transcript's 3' end. VCF-style (leftmost placement, unchanged base first): chr22-37973963-G-GCT. GRCh37 (hg19) VCF-style: chr22-38369970-G-GCT.
Other names: c.*38+1655_*38+1656dup (NM_001363825.1); c.293+6795_293+6796dup (NM_001301130.2, NM_001301131.2); c.931_932dupAG (NM_006941.3); short protein forms S311fs.
Identifiers: ClinVar variation 4999142 (VCV004999142.1).
Genomic context (GRCh38, chr22:37,973,963, plus strand): 5'-GGAGTGTCCACTGGCCACGGCCAGGGCACTGCCCAGCCCATAGCCGGCTGCTGAGTAGCT[G>GCT]CTCACATGGCCTGGGTGCCCATTGGGCGGCAGGTACTGGTCCAACTCAGCCACATCAAAG-3'

ClinVar aggregate classification (germline): Likely pathogenic (1 of 4 stars; one submission).

Conditions:
SOX10-related disorder. Also called: SOX10-related condition.

Submission:

PreventionGenetics, part of Exact Sciences
Classification: Likely pathogenic for SOX10-related condition. Last evaluated: 2025-06-03. Review status: criteria provided, single submitter. Criteria: ACMG Guidelines, 2015. Collection method: clinical testing. Allele origin: germline.
Comment: The SOX10 c.931_932dupAG variant is predicted to result in a frameshift and premature protein termination (p.Ser311Argfs*47). To our knowledge, this variant has not been reported in the literature or in a large population database (gnomAD), indicating this variant is rare. Frameshift variants in SOX10 are expected to be pathogenic. This variant is interpreted as likely pathogenic.